The following is an entry in ClinVar:

ClinVar aggregate classification (germline): Uncertain significance (1 of 4 stars; one submission).

Submission:

GeneDx
Classification: Uncertain significance. Last evaluated: 2022-09-26. Review status: criteria provided, single submitter. Criteria: GeneDx Variant Classification Process June 2021. Collection method: clinical testing. Allele origin: germline. Affected: yes.
Comment: Not observed at significant frequency in large population cohorts (gnomAD); In silico analysis supports that this missense variant has a deleterious effect on protein structure/function; Has not been previously published as pathogenic or benign to our knowledge

NM_024665.7(TBL1XR1):c.289C>G (p.Gln97Glu)

Gene: TBL1XR1 (TBL1X/Y related 1; minus strand). Cytogenetic location: 3q26.32.
Variant type: single nucleotide variant.
Coding change: c.289C>G on transcript NM_024665.7 (MANE Select); coding-DNA position 289, C replaced by G.
Protein change: p.Gln97Glu; replaces glutamine 97 with glutamic acid.
Molecular consequence: missense variant.
Genome position (GRCh38, 1-based): chr3:177,051,642, G>C on the plus strand (C>G on the coding strand, the complement: TBL1XR1 is on the minus strand). VCF-style: chr3-177051642-G-C. GRCh37 (hg19) VCF-style: chr3-176769430-G-C.
Other names: c.289C>G, p.Gln97Glu (NM_001321193.3, NM_001321194.3, NM_001374327.1 and 2 more transcripts); c.28C>G, p.Gln10Glu (NM_001321195.3, NM_001374330.1); short protein forms Q10E, Q97E.
Identifiers: ClinVar variation 2446302 (VCV002446302.1), dbSNP rs2473733745, ClinGen allele CA355553328.